The following is an entry in ClinVar:

ClinVar aggregate classification (germline): Conflicting classifications of pathogenicity. Review status: criteria provided, conflicting classifications (1 of 4 stars). 3 submissions from 3 submitters: Uncertain significance (2); Likely benign (1). Last evaluated 2025-07-01.

Conditions:
Cardiovascular phenotype. Identifiers: MedGen CN230736.

Allele frequency attached by ClinVar (database versions not stated): ExAC 0.00003; gnomAD 0.00003 and 0.00004; gnomAD exomes 0.00003.
gnomAD v4.1: 39 of 1,613,550 alleles (0.0024%); highest among the groups gnomAD compares: East Asian, 0.0045%; no homozygotes.

Submissions (3):

Labcorp Genetics (formerly Invitae), Labcorp
Classification: Uncertain significance. Last evaluated: 2025-07-01. Review status: criteria provided, single submitter. Criteria: Invitae Variant Classification Sherloc (09022015). Collection method: clinical testing. Allele origin: germline.
Comment: This sequence change replaces arginine, which is basic and polar, with tryptophan, which is neutral and slightly polar, at codon 733 of the ALPK3 protein (p.Arg733Trp). This variant is present in population databases (rs747180813, gnomAD 0.006%). This variant has not been reported in the literature in individuals affected with ALPK3-related conditions. ClinVar contains an entry for this variant (Variation ID: 1450540). Invitae Evidence Modeling of protein sequence and biophysical properties (such as structural, functional, and spatial information, amino acid conservation, physicochemical variation, residue mobility, and thermodynamic stability) indicates that this missense variant is not expected to disrupt ALPK3 protein function with a negative predictive value of 80%. In summary, the available evidence is currently insufficient to determine the role of this variant in disease. Therefore, it has been classified as a Variant of Uncertain Significance.

Molecular Diagnostic Laboratory for Inherited Cardiovascular Disease, Montreal Heart Institute
Classification: Likely benign. Last evaluated: 2025-04-09. Review status: criteria provided, single submitter. Criteria: ACMG Guidelines, 2015. Collection method: clinical testing. Allele origin: germline. Affected: no.
Comment: PM2, BP1, BP5

Ambry Genetics
Classification: Uncertain significance for Cardiovascular phenotype. Last evaluated: 2024-05-17. Review status: criteria provided, single submitter. Criteria: Ambry Variant Classification Scheme 2023. Collection method: clinical testing. Allele origin: germline.
Comment: The p.R733W variant (also known as c.2197C>T), located in coding exon 5 of the ALPK3 gene, results from a C to T substitution at nucleotide position 2197. The arginine at codon 733 is replaced by tryptophan, an amino acid with dissimilar properties. This amino acid position is conserved. In addition, this alteration is predicted to be tolerated by in silico analysis. Since supporting evidence is limited at this time, the clinical significance of this alteration remains unclear.

NM_020778.5(ALPK3):c.1591C>T (p.Arg531Trp)

Genes: ALPK3 (alpha kinase 3; plus strand), LOC111718493 (skeletal muscle cis-regulatory module overlapping ALPK3; plus strand). Cytogenetic location: 15q25.3.
Variant type: single nucleotide variant.
Coding change: c.1591C>T on transcript NM_020778.5 (MANE Select); coding-DNA position 1591, C replaced by T.
Protein change: p.Arg531Trp; replaces arginine 531 with tryptophan.
Molecular consequence: missense variant.
Genome position (GRCh38, 1-based): chr15:84,840,870, C>T. VCF-style: chr15-84840870-C-T. GRCh37 (hg19) VCF-style: chr15-85384101-C-T.
Other names: short protein forms R531W.
Identifiers: ClinVar variation 1450540 (VCV001450540.11), dbSNP rs747180813, ClinGen allele CA7709227.